The following is an entry in ClinVar:

ClinVar aggregate classification (germline): Uncertain significance (1 of 4 stars; one submission).

Conditions:
Lafora disease. Also called: Epilepsy progressive myoclonic 2. Identifiers: Orphanet 501, MedGen C0751783, MONDO:0009697.

Submission:

Neuberg Centre For Genomic Medicine, NCGM
Classification: Uncertain significance for Myoclonic epilepsy of Lafora 1. Review status: criteria provided, single submitter. Criteria: ACMG Guidelines, 2015. Collection method: clinical testing. Allele origin: germline. Affected: yes.
Comment: The stop gained variant c.789C>G (p.Tyr263Ter) in EPM2A gene has not been reported previously as a pathogenic variant nor as a benign variant, to our knowledge. This variant has not been reported to the ClinVar database. The variant is novel (not in any individuals) in gnomAD Exomes and 1000 Genomes. Since the variant is present in the last exon, functional studies will be required to prove protein truncation and loss of function. For these reasons, this variant has been classified as Uncertain Significance.

NM_005670.4(EPM2A):c.789C>G (p.Tyr263Ter)

Gene: EPM2A (EPM2A glucan phosphatase, laforin; minus strand). Cytogenetic location: 6q24.3.
Variant type: single nucleotide variant.
Coding change: c.789C>G on transcript NM_005670.4 (MANE Select); coding-DNA position 789, C replaced by G.
Protein change: p.Tyr263Ter; replaces tyrosine 263 with a stop codon.
Molecular consequence: nonsense. On other transcripts: missense variant (1), non-coding transcript variant (1).
Genome position (GRCh38, 1-based): chr6:145,627,623, G>C on the plus strand (C>G on the coding strand, the complement: EPM2A is on the minus strand). VCF-style: chr6-145627623-G-C. GRCh37 (hg19) VCF-style: chr6-145948759-G-C.
Other names: c.789C>G, p.Tyr263Ter (NM_001018041.2); c.547C>G, p.Arg183Gly (NM_001360057.2); c.375C>G, p.Tyr125Ter (NM_001360064.2, NM_001360071.2, NM_001368131.1); c.327C>G, p.Tyr109Ter (NM_001368129.2, NM_001368132.1); short protein forms R183G, Y109*, Y125*, Y263*.
Identifiers: ClinVar variation 1878581 (VCV001878581.1), dbSNP rs201367187, ClinGen allele CA366190345.